The following is an entry in ClinVar:

NM_018429.3(BDP1):c.149C>T (p.Pro50Leu)

Gene: BDP1 (BDP1 general transcription factor IIIB subunit; plus strand). Cytogenetic location: 5q13.2.
Variant type: single nucleotide variant.
Coding change: c.149C>T on transcript NM_018429.3 (MANE Select); coding-DNA position 149, C replaced by T.
Protein change: p.Pro50Leu; replaces proline 50 with leucine.
Molecular consequence: missense variant.
Genome position (GRCh38, 1-based): chr5:71,456,026, C>T. VCF-style: chr5-71456026-C-T. GRCh37 (hg19) VCF-style: chr5-70751853-C-T.
Other names: short protein forms P50L.
Identifiers: ClinVar variation 4986224 (VCV004986224.1).

ClinVar aggregate classification (germline): Uncertain significance (1 of 4 stars; one submission).

Conditions:
BDP1-related disorder. Also called: BDP1-related condition.

Submission:

PreventionGenetics, part of Exact Sciences
Classification: Uncertain significance for BDP1-related condition. Last evaluated: 2025-12-16. Review status: criteria provided, single submitter. Criteria: ACMG Guidelines, 2015. Collection method: clinical testing. Allele origin: germline.
Comment: The BDP1 c.149C>T variant is predicted to result in the amino acid substitution p.Pro50Leu. To our knowledge, this variant has not been reported in the literature. This variant is reported in 0.040% of alleles in individuals of Ashkenazi Jewish descent in gnomAD. At this time, the clinical significance of this variant is uncertain due to the absence of conclusive functional and genetic evidence.